The following is an entry in ClinVar:

ClinVar aggregate classification (germline): Benign/Likely benign. Review status: criteria provided, multiple submitters, no conflicts (2 of 4 stars). 3 submissions from 3 submitters: Benign (2); Likely benign (1). Last evaluated 2026-07-01.

Allele frequency attached by ClinVar (database versions not stated): 1000 Genomes Project 30x 0.00531; ExAC 0.00154; ESP Exome Variant Server 0.00446; 1000 Genomes Project 0.00479; TOPMed 0.00486; gnomAD 0.00507.
gnomAD v4.1: 1,348 of 1,613,666 alleles (0.084%); highest among the groups gnomAD compares: African/African-American, 1.5%; 11 homozygotes.

Submissions (3):

CeGaT Center for Human Genetics Tuebingen
Classification: Likely benign. Last evaluated: 2026-07-01. Review status: criteria provided, single submitter. Criteria: CeGaT Center For Human Genetics Tuebingen Variant Classification Criteria Version 2. Collection method: clinical testing. Allele origin: germline. Affected: yes. Observed: 3 variant alleles.
Comment: ZMIZ1: BP4, BP7, BS1

Labcorp Genetics (formerly Invitae), Labcorp
Classification: Benign. Last evaluated: 2026-01-30. Review status: criteria provided, single submitter. Criteria: Invitae Variant Classification Sherloc (09022015). Collection method: clinical testing. Allele origin: germline.

Breakthrough Genomics
Classification: Benign. Review status: criteria provided, single submitter. Criteria: ACMG Guidelines, 2015. Collection method: not provided. Allele origin: germline. Inheritance: Autosomal dominant inheritance. Affected: yes.

NM_020338.4(ZMIZ1):c.2448C>T (p.Ile816=)

Gene: ZMIZ1 (zinc finger MIZ-type containing 1; plus strand). Cytogenetic location: 10q22.3.
Variant type: single nucleotide variant.
Coding change: c.2448C>T on transcript NM_020338.4 (MANE Select); coding-DNA position 2448, C replaced by T.
Protein change: p.Ile816=; no amino-acid change (isoleucine 816 retained).
Molecular consequence: synonymous variant.
Genome position (GRCh38, 1-based): chr10:79,306,124, C>T. VCF-style: chr10-79306124-C-T. GRCh37 (hg19) VCF-style: chr10-81065881-C-T.
Identifiers: ClinVar variation 785882 (VCV000785882.23), dbSNP rs143401864, ClinGen allele CA5573036.